The following is an entry in ClinVar:

Conditions:
Long QT syndrome 5 (LQT5). Identifiers: Orphanet 101016, Orphanet 768, MedGen C1867904, MONDO:0013372, OMIM 613695.

Submission:

Roden Lab, Vanderbilt University Medical Center
No classification provided (evidence only). Condition: Long QT syndrome 5. Review status: no classification provided. Collection method: in vitro. Allele origin: not applicable. Functional consequence: Effect on ion channel function.
ClinVar note: "not provided" was previously submitted as the classification for the variant. However, the classification appeared to be based only on an observation of functional data so it was converted to no classification on 2025-07-30.

NM_000219.6(KCNE1):c.258C>T (p.Ala86=)

Gene: KCNE1 (potassium voltage-gated channel subfamily E regulatory subunit 1; minus strand). Cytogenetic location: 21q22.12.
Variant type: single nucleotide variant.
Coding change: c.258C>T on transcript NM_000219.6 (MANE Select); coding-DNA position 258, C replaced by T.
Protein change: p.Ala86=; no amino-acid change (alanine 86 retained).
Molecular consequence: synonymous variant.
Genome position (GRCh38, 1-based): chr21:34,449,377, G>A on the plus strand (C>T on the coding strand, the complement: KCNE1 is on the minus strand). VCF-style: chr21-34449377-G-A. GRCh37 (hg19) VCF-style: chr21-35821675-G-A.
Other names: c.258C>T, p.Ala86= (NM_001127668.4, NM_001127669.4, NM_001127670.4 and 4 more transcripts).
Identifiers: ClinVar variation 3374461 (VCV003374461.2).